The following is an entry in ClinVar:

NM_000263.4(NAGLU):c.1888G>A (p.Val630Ile)

Gene: NAGLU (N-acetyl-alpha-glucosaminidase; plus strand). Cytogenetic location: 17q21.2.
Variant type: single nucleotide variant.
Coding change: c.1888G>A on transcript NM_000263.4 (MANE Select); coding-DNA position 1888, G replaced by A.
Protein change: p.Val630Ile; replaces valine 630 with isoleucine.
Molecular consequence: missense variant.
Genome position (GRCh38, 1-based): chr17:42,543,894, G>A. VCF-style: chr17-42543894-G-A. GRCh37 (hg19) VCF-style: chr17-40695912-G-A.
Other names: short protein forms V630I.
Identifiers: ClinVar variation 2146891 (VCV002146891.1), dbSNP rs764322586, ClinGen allele CA8577114.

ClinVar aggregate classification (germline): Uncertain significance (1 of 4 stars; one submission).

Conditions:
Charcot-Marie-Tooth disease axonal type 2V. Also called: CHARCOT-MARIE-TOOTH NEUROPATHY, TYPE 2V; CHARCOT-MARIE-TOOTH DISEASE, AXONAL, AUTOSOMAL DOMINANT, TYPE 2V. Identifiers: Orphanet 447964, MedGen C5569050, MONDO:0014665, OMIM 616491.
Mucopolysaccharidosis, MPS-III-B (MPS3B). Also called: N-ACETYL-ALPHA-D-GLUCOSAMINIDASE DEFICIENCY; NAGLU DEFICIENCY; SANFILIPPO SYNDROME B; MPS III B; MUCOPOLYSACCHARIDOSIS, TYPE IIIB; MPS IIIB (Sanfilippo Syndrome Type B). Identifiers: Orphanet 79270, MedGen C0086648, MONDO:0009656, OMIM 252920.

Allele frequency attached by ClinVar (database versions not stated): ExAC 0.00001; gnomAD 0.00001.
gnomAD v4.1: 2 of 1,605,598 alleles (0.00012%); highest among the groups gnomAD compares: Non-Finnish European, 0.00017%; no homozygotes.

Submission:

Labcorp Genetics (formerly Invitae), Labcorp
Classification: Uncertain significance for Charcot-Marie-Tooth disease axonal type 2V; Mucopolysaccharidosis, MPS-III-B. Last evaluated: 2022-04-11. Review status: criteria provided, single submitter. Criteria: Invitae Variant Classification Sherloc (09022015). Collection method: clinical testing. Allele origin: germline.
Comment: This sequence change replaces valine, which is neutral and non-polar, with isoleucine, which is neutral and non-polar, at codon 630 of the NAGLU protein (p.Val630Ile). This variant is present in population databases (rs764322586, gnomAD 0.007%). This variant has not been reported in the literature in individuals affected with NAGLU-related conditions. Advanced modeling of protein sequence and biophysical properties (such as structural, functional, and spatial information, amino acid conservation, physicochemical variation, residue mobility, and thermodynamic stability) performed at Invitae indicates that this missense variant is not expected to disrupt NAGLU protein function. In summary, the available evidence is currently insufficient to determine the role of this variant in disease. Therefore, it has been classified as a Variant of Uncertain Significance.